The following is an entry in ClinVar:

NM_001372044.2(SHANK3):c.4487del (p.Pro1496fs)

Gene: SHANK3 (SH3 and multiple ankyrin repeat domains 3; plus strand). Cytogenetic location: 22q13.33.
Variant type: Deletion.
Coding change: c.4487del on transcript NM_001372044.2 (MANE Select); coding-DNA position 4487, one base deleted (C; older notation c.4487delC).
Protein change: p.Pro1496fs; shifts the reading frame from proline 1496.
Molecular consequence: frameshift variant.
Genome position (GRCh38, 1-based): chr22:50,722,095, C deleted; the last of 4 consecutive C bases (chr22:50,722,092-50,722,095); deleting any one gives the same sequence. VCF-style (leftmost placement, unchanged base first): chr22-50722091-TC-T. GRCh37 (hg19) VCF-style: chr22-51160519-TC-T.
Other names: short protein forms P1496fs.
Identifiers: ClinVar variation 4685513 (VCV004685513.1).

ClinVar aggregate classification (germline): Pathogenic (1 of 4 stars; one submission).

Conditions:
Phelan-McDermid syndrome. Also called: TELOMERIC 22q13 MONOSOMY SYNDROME; 22q13.3 deletion syndrome; Phelan-McDermid Syndrome-SHANK3 Related. Identifiers: Orphanet 48652, MedGen C1853490, MONDO:0011652, OMIM 606232.

Submission:

Imagene.me medical diagnostic laboratory, IMAGENE.ME SA
Classification: Pathogenic for Phelan-McDermid syndrome. Review status: criteria provided, single submitter. Criteria: IMAGENE.ME Variant Classification SOP 2022. Collection method: clinical testing. Allele origin: de novo. Affected: yes.
Comment: Classified according to the IMAGENE.ME variant classification SOP based on the ACMG guidelines as Pathogenic (P): PVS1 + PS2_moderate + PM2 + PP4